The following is an entry in ClinVar:

NM_015662.3(IFT172):c.2431C>A (p.Leu811Ile)

Gene: IFT172 (intraflagellar transport 172; minus strand). Cytogenetic location: 2p23.3.
Variant type: single nucleotide variant.
Coding change: c.2431C>A on transcript NM_015662.3 (MANE Select); coding-DNA position 2431, C replaced by A.
Protein change: p.Leu811Ile; replaces leucine 811 with isoleucine.
Molecular consequence: missense variant.
Genome position (GRCh38, 1-based): chr2:27,461,280, G>T on the plus strand (C>A on the coding strand, the complement: IFT172 is on the minus strand). VCF-style: chr2-27461280-G-T. GRCh37 (hg19) VCF-style: chr2-27684147-G-T.
Other names: short protein forms L811I.
Identifiers: ClinVar variation 938229 (VCV000938229.9), dbSNP rs933347695, ClinGen allele CA44497891.

ClinVar aggregate classification (germline): Uncertain significance (1 of 4 stars; one submission).

Conditions:
Short-rib thoracic dysplasia 10 with or without polydactyly (SRTD10). Identifiers: Orphanet 474, MedGen C3810175, MONDO:0014284, OMIM 615630.
Retinitis pigmentosa 71 (RP71). Identifiers: Orphanet 791, MedGen C4225342, MONDO:0014618, OMIM 616394.

Allele frequency attached by ClinVar (database versions not stated): TOPMed 0.00004.
gnomAD v4.1: 1 of 1,613,996 alleles (0.000062%); highest among the groups gnomAD compares: African/African-American, 0.0013%; no homozygotes.

Submission:

Labcorp Genetics (formerly Invitae), Labcorp
Classification: Uncertain significance for Retinitis pigmentosa 71; Short-rib thoracic dysplasia 10 with or without polydactyly. Last evaluated: 2022-02-03. Review status: criteria provided, single submitter. Criteria: Invitae Variant Classification Sherloc (09022015). Collection method: clinical testing. Allele origin: germline.
Comment: Algorithms developed to predict the effect of missense changes on protein structure and function are either unavailable or do not agree on the potential impact of this missense change (SIFT: "Deleterious"; PolyPhen-2: "Possibly Damaging"; Align-GVGD: "Class C0"). In summary, the available evidence is currently insufficient to determine the role of this variant in disease. Therefore, it has been classified as a Variant of Uncertain Significance. ClinVar contains an entry for this variant (Variation ID: 938229). This variant has not been reported in the literature in individuals affected with IFT172-related conditions. This variant is not present in population databases (gnomAD no frequency). This sequence change replaces leucine, which is neutral and non-polar, with isoleucine, which is neutral and non-polar, at codon 811 of the IFT172 protein (p.Leu811Ile).